The following is an entry in ClinVar:

NM_138413.4(HOGA1):c.110G>A (p.Gly37Asp)

Gene: HOGA1 (4-hydroxy-2-oxoglutarate aldolase 1; plus strand). Cytogenetic location: 10q24.2.
Variant type: single nucleotide variant.
Coding change: c.110G>A on transcript NM_138413.4 (MANE Select); coding-DNA position 110, G replaced by A.
Protein change: p.Gly37Asp; replaces glycine 37 with aspartic acid.
Molecular consequence: missense variant.
Genome position (GRCh38, 1-based): chr10:97,584,813, G>A. VCF-style: chr10-97584813-G-A. GRCh37 (hg19) VCF-style: chr10-99344570-G-A.
Other names: c.110G>A, p.Gly37Asp (NM_001134670.2); c.110G>A (NM_138413.3); short protein forms G37D.
Identifiers: ClinVar variation 2664413 (VCV002664413.5), dbSNP rs772722925, ClinGen allele CA377967274.

ClinVar aggregate classification (germline): Pathogenic/Likely pathogenic. Review status: criteria provided, multiple submitters, no conflicts (2 of 4 stars). 3 submissions from 3 submitters: Pathogenic (1); Likely pathogenic (1). 1 of the submissions does not count toward it. Last evaluated 2026-01-12.

Conditions:
Primary hyperoxaluria type 3. Also called: PH III. Identifiers: Orphanet 416, Orphanet 93600, MedGen C3150878, MONDO:0013327, OMIM 613616. Disease mechanism: loss of function.

gnomAD v4.1: 3 of 1,614,058 alleles (0.00019%); highest among the groups gnomAD compares: South Asian, 0.0022%; no homozygotes.

Submissions (3):

Natera, Inc.
Classification: Likely pathogenic for Primary hyperoxaluria type III. Last evaluated: 2026-01-12. Review status: criteria provided, single submitter. Criteria: Natera Variant Classification Schema (03/2026). Collection method: clinical testing. Allele origin: germline.
Comment: The c.110G>A variant in HOGA1 is a missense variant predicted to cause substitution of glycine to aspartic acid at amino acid 37. This variant is rare in the general population with a frequency below the threshold expected for the associated phenotype(s). This variant has been observed in one or more individuals affected with the associated recessive disease, as either homozygous or compound heterozygous with a second variant (PMID: 35149915, 33865885). Computational prediction algorithms indicate this variant is likely to affect gene or protein function. Given the available evidence, this variant is classified as Likely Pathogenic.

Clinical Biochemistry Laboratory, Health Services Laboratory
Classification: Pathogenic for Primary hyperoxaluria type 3. Last evaluated: 2023-10-27. Review status: criteria provided, single submitter. Criteria: ACMG Guidelines, 2015. Collection method: curation. Allele origin: germline. Affected: yes.
Comment: ACMG:PS1 PM1 PM2 PM5 PP3 PP4

Chinese Inherited Urolithiasis Consortium, The Affiliated Yantai Yuhuangding Hospital of Qingdao University
Classification: Likely pathogenic for Primary hyperoxaluria type 3. Last evaluated: 2024-08-26. Review status: no assertion criteria provided. Collection method: clinical testing. Allele origin: maternal. Affected: yes. Observed: 1 variant allele. Not counted in ClinVar's aggregate classification.

Literature cited by the submitters: PubMed 35149915 (cited by Natera, Inc.); PubMed 33865885 (cited by Natera, Inc.); PubMed 28711958 (cited by Clinical Biochemistry Laboratory, Health Services Laboratory); PubMed 31123811 (cited by Clinical Biochemistry Laboratory, Health Services Laboratory); PubMed 30488096 (cited by Clinical Biochemistry Laboratory, Health Services Laboratory).